The following is an entry in ClinVar:

ClinVar aggregate classification (germline): Uncertain significance. Review status: criteria provided, multiple submitters, no conflicts (2 of 4 stars). 2 submissions from 2 submitters: Uncertain significance (2). Last evaluated 2026-03-17.

Submissions (2):

GeneDx
Classification: Uncertain significance. Last evaluated: 2026-03-17. Review status: criteria provided, single submitter. Criteria: GeneDx Variant Classification Process June 2021. Collection method: clinical testing. Allele origin: germline.
Comment: Not observed at significant frequency in large population cohorts (gnomAD); In silico analysis supports that this missense variant has a deleterious effect on protein structure/function; Has not been previously published as pathogenic or benign to our knowledge

Ambry Genetics
Classification: Uncertain significance. Last evaluated: 2024-02-27. Review status: criteria provided, single submitter. Criteria: Ambry Variant Classification Scheme 2023. Collection method: clinical testing. Allele origin: germline.

NM_012245.3(SNW1):c.875A>G (p.Tyr292Cys)

Gene: SNW1 (SNW domain containing 1; minus strand). Cytogenetic location: 14q24.3.
Variant type: single nucleotide variant.
Coding change: c.875A>G on transcript NM_012245.3 (MANE Select); coding-DNA position 875, A replaced by G.
Protein change: p.Tyr292Cys; replaces tyrosine 292 with cysteine.
Molecular consequence: missense variant.
Genome position (GRCh38, 1-based): chr14:77,732,501, T>C on the plus strand (A>G on the coding strand, the complement: SNW1 is on the minus strand). VCF-style: chr14-77732501-T-C. GRCh37 (hg19) VCF-style: chr14-78198844-T-C.
Other names: c.875A>G, p.Tyr292Cys (NM_001318844.2); short protein forms Y292C.
Identifiers: ClinVar variation 3167122 (VCV003167122.2), dbSNP rs2503722633, ClinGen allele CA390715674.